The following is an entry in ClinVar:

ClinVar aggregate classification (germline): Uncertain significance. Review status: criteria provided, multiple submitters, no conflicts (2 of 4 stars). 7 submissions from 7 submitters: Uncertain significance (6). 1 of the submissions does not count toward it. Last evaluated 2026-01-08.

Conditions:
Hereditary cancer-predisposing syndrome. Also called: Neoplastic Syndromes, Hereditary; Hereditary Cancer Syndrome; Hereditary neoplastic syndrome; Tumor predisposition. Identifiers: Orphanet 140162, MedGen C0027672, MeSH D009386, MONDO:0015356.
Familial cancer of breast. Also called: BREAST CANCER, FAMILIAL; hereditary breast carcinoma; Hereditary breast cancer. Identifiers: Orphanet 227535, MedGen C0346153, MONDO:0016419, OMIM 114480. Disease mechanism: loss of function.

Allele frequency attached by ClinVar (database versions not stated): TOPMed 0.00001; ExAC 0.00002; gnomAD exomes 0.00002 and 0.00004.
gnomAD v4.1: 60 of 1,614,184 alleles (0.0037%); highest among the groups gnomAD compares: Non-Finnish European, 0.005%; no homozygotes.

Submissions (7):

Labcorp Genetics (formerly Invitae), Labcorp
Classification: Uncertain significance for Familial cancer of breast. Last evaluated: 2026-01-08. Review status: criteria provided, single submitter. Criteria: Invitae Variant Classification Sherloc (09022015). Collection method: clinical testing. Allele origin: germline.
Comment: This sequence change replaces serine, which is neutral and polar, with leucine, which is neutral and non-polar, at codon 760 of the BARD1 protein (p.Ser760Leu). This variant is present in population databases (rs730881425, gnomAD 0.003%). This variant has not been reported in the literature in individuals affected with BARD1-related conditions. ClinVar contains an entry for this variant (Variation ID: 479129). An algorithm developed to predict the effect of missense changes on protein structure and function (PolyPhen-2) suggests that this variant is likely to be disruptive. In summary, the available evidence is currently insufficient to determine the role of this variant in disease. Therefore, it has been classified as a Variant of Uncertain Significance.

Ambry Genetics
Classification: Uncertain significance for Hereditary cancer-predisposing syndrome. Last evaluated: 2025-10-28. Review status: criteria provided, single submitter. Criteria: Ambry Variant Classification Scheme 2023. Collection method: clinical testing. Allele origin: germline.
Comment: The p.S760L variant (also known as c.2279C>T), located in coding exon 11 of the BARD1 gene, results from a C to T substitution at nucleotide position 2279. The serine at codon 760 is replaced by leucine, an amino acid with dissimilar properties. This alteration was reported in a study of 1297 cases of early-onset breast cancer and 1121 controls (Young EL et al. J. Med. Genet. 2016 Jun;53:366-76). This amino acid position is well conserved in available vertebrate species. In addition, this alteration is predicted to be tolerated by in silico analysis. Since supporting evidence is limited at this time, the clinical significance of this alteration remains unclear.

Quest Diagnostics Nichols Institute San Juan Capistrano
Classification: Uncertain significance. Last evaluated: 2024-03-07. Review status: criteria provided, single submitter. Criteria: Quest Diagnostics criteria. Collection method: clinical testing. Allele origin: unknown.
Comment: The BARD1 c.2279C>T (p.Ser760Leu) variant has been reported in the published literature in individuals with breast cancer (PMID: 26787654 (2016), 33471991 (2021), see also LOVD) and colorectal cancer (PMID: 32658311 (2021)). The frequency of this variant in the general population, 0.000026 (3/113558 chromosomes (Genome Aggregation Database)), is uninformative in the assessment of its pathogenicity. Analysis of this variant using bioinformatics tools for the prediction of the effect of amino acid changes on protein structure and function yielded predictions that this variant is damaging. Based on the available information, we are unable to determine the clinical significance of this variant.

Fulgent Genetics
Classification: Uncertain significance for Familial cancer of breast. Last evaluated: 2024-01-23. Review status: criteria provided, single submitter. Criteria: ACMG Guidelines, 2015. Collection method: clinical testing. Allele origin: germline.

Color Diagnostics, LLC DBA Color Health
Classification: Uncertain significance for Hereditary cancer-predisposing syndrome. Last evaluated: 2022-06-21. Review status: criteria provided, single submitter. Criteria: ACMG Guidelines, 2015. Collection method: clinical testing. Allele origin: germline.
Comment: This missense variant replaces serine with leucine at codon 760 of the BARD1 protein. Computational prediction suggests that this variant may not impact protein structure and function (internally defined REVEL score threshold <= 0.5, PMID: 27666373). To our knowledge, functional studies have not been reported for this variant. This variant has not been reported in individuals affected with hereditary cancer in the literature. This variant has been identified in 4/251226 chromosomes in the general population by the Genome Aggregation Database (gnomAD). The available evidence is insufficient to determine the role of this variant in disease conclusively. Therefore, this variant is classified as a Variant of Uncertain Significance.

Sema4
Classification: Uncertain significance for Hereditary cancer-predisposing syndrome. Last evaluated: 2021-09-20. Review status: criteria provided, single submitter. Criteria: Sema4 Curation Guidelines. Collection method: curation. Allele origin: germline.
Comment: The BARD1 c.2279C>T (p.S760L) missense variant has been reported in at least 4 individuals with breast cancer (PMID 33471991, 26787654). This variant was observed in 4/ 251226 chromosomes among all subpopulations of the Genome Aggregation Database (PMID: PMID: 32461654). This variant has been reported in ClinVar (Variation ID 479129). Functional studies have not been performed, and in silico predictions of the variant's effect on protein function are inconclusive. The overall evidence is insufficient to meet ACMG/AMP criteria for classifying it as benign or pathogenic. In summary, the clinical significance of this variant is currently uncertain.

Department of Pathology and Laboratory Medicine, Sinai Health System
Classification: Uncertain significance. Review status: no assertion criteria provided. Collection method: clinical testing. Allele origin: unknown. Affected: yes. Study: The Canadian Open Genetics Repository (COGR). Not counted in ClinVar's aggregate classification.
Comment: The BARD1 p.Ser760Leu variant was identified in 1 of 2594 proband chromosomes (frequency: 0.0004) from individuals or families with early-onset breast cancer (Young 2016). The variant was also identified in the following databases: dbSNP (ID: rs730881425) as "With Uncertain significance allele", ClinVar (classified as uncertain significance by Ambry Geneics and Color), and in Cosmic (1x in oesophagus tissue). The variant was not identified in MutDB, or Zhejiang University, databases. The variant was identified in control databases in 4 of 245998 chromosomes at a frequency of 0.00002 (Genome Aggregation Database Feb 27, 2017). The variant was observed in the following populations: Latino in 1 of 33570 chromosomes (freq: 0.00003), European in 3 of 111490 chromosomes (freq: 0.00003); it was not observed in the African, Other, Ashkenazi Jewish, East Asian, Finnish, and South Asian populations. The p.Ser760 residue is conserved across mammals and other organisms, and computational analyses (PolyPhen-2, SIFT, AlignGVGD, BLOSUM, MutationTaster) suggest that the variant may impact the protein; however, this information is not predictive enough to assume pathogenicity. The variant occurs outside of the splicing consensus sequence and in silico or computational prediction software programs (SpliceSiteFinder, MaxEntScan, NNSPLICE, GeneSplicer) do not predict a difference in splicing. In summary, based on the above information the clinical significance of this variant cannot be determined with certainty at this time. This variant is classified as a variant of uncertain significance.

Literature cited by the submitters: PubMed 26787654 (cited by 3 submitters); PubMed 33471991 (cited by Quest Diagnostics Nichols Institute San Juan Capistrano and Sema4); PubMed 32658311 (cited by Quest Diagnostics Nichols Institute San Juan Capistrano); PubMed 26315354 (cited by Quest Diagnostics Nichols Institute San Juan Capistrano).

NM_000465.4(BARD1):c.2279C>T (p.Ser760Leu)

Gene: BARD1 (BRCA1 associated RING domain 1; minus strand). Cytogenetic location: 2q35.
Variant type: single nucleotide variant.
Coding change: c.2279C>T on transcript NM_000465.4 (MANE Select); coding-DNA position 2279, C replaced by T.
Protein change: p.Ser760Leu; replaces serine 760 with leucine.
Molecular consequence: missense variant. On other transcripts: non-coding transcript variant (3).
Genome position (GRCh38, 1-based): chr2:214,728,731, G>A on the plus strand (C>T on the coding strand, the complement: BARD1 is on the minus strand). VCF-style: chr2-214728731-G-A. GRCh37 (hg19) VCF-style: chr2-215593455-G-A.
Other names: c.2222C>T, p.Ser741Leu (NM_001282543.2); c.926C>T, p.Ser309Leu (NM_001282545.2); c.869C>T, p.Ser290Leu (NM_001282548.2); c.740C>T, p.Ser247Leu (NM_001282549.2); short protein forms S760L, S290L, S309L, S741L, S247L.
Identifiers: ClinVar variation 479129 (VCV000479129.27), dbSNP rs730881425, ClinGen allele CA2090053.
Genomic context (GRCh38, chr2:214,728,731, plus strand): 5'-AATATTCAGCTGTCAAGAGGAAGCAACTCAAAGGACATCACACAGTCTATAAACCAGCTC[G>A]AAGGAGCCTTCCAGACTTTGCCCTGCCGAACCCTCTCTGGGTGATAATTACACAAATCTT-3'
Protein context (NP_000456.2, residues 750-770): VRQGKVWKAP[Ser760Leu]SWFIDCVMSF